The following is an entry in ClinVar:

ClinVar aggregate classification (germline): Pathogenic. Review status: criteria provided, multiple submitters, no conflicts (2 of 4 stars). 2 submissions from 2 submitters: Pathogenic (2). Last evaluated 2023-10-01.

Conditions:
Retinal dystrophy. Also called: Inherited retinal dystrophy. Identifiers: Orphanet 71862, MedGen C0854723, MeSH D058499, MONDO:0019118, HP:0000556.

Submissions (2):

Dept Of Ophthalmology, Nagoya University
Classification: Pathogenic for Retinal dystrophy. Last evaluated: 2023-10-01. Review status: criteria provided, single submitter. Criteria: Submitter's publication. Collection method: research. Allele origin: germline. Affected: yes.

Labcorp Genetics (formerly Invitae), Labcorp
Classification: Pathogenic. Last evaluated: 2023-01-25. Review status: criteria provided, single submitter. Criteria: Invitae Variant Classification Sherloc (09022015). Collection method: clinical testing. Allele origin: germline.
Comment: For these reasons, this variant has been classified as Pathogenic. This premature translational stop signal has been observed in individual(s) with retinitis pigmentosa (PMID: 33105608). This variant is not present in population databases (gnomAD no frequency). This sequence change creates a premature translational stop signal (p.Tyr3938Argfs*8) in the USH2A gene. It is expected to result in an absent or disrupted protein product. Loss-of-function variants in USH2A are known to be pathogenic (PMID: 10729113, 10909849, 20507924, 25649381).

Literature cited by the submitters: PubMed 33105608 (cited by Labcorp Genetics (formerly Invitae), Labcorp); PubMed 10729113 (cited by Labcorp Genetics (formerly Invitae), Labcorp); PubMed 10909849 (cited by Labcorp Genetics (formerly Invitae), Labcorp); PubMed 20507924 (cited by Labcorp Genetics (formerly Invitae), Labcorp); PubMed 25649381 (cited by Labcorp Genetics (formerly Invitae), Labcorp).

NM_206933.4(USH2A):c.11811_11812del (p.Tyr3938fs)

Gene: USH2A (usherin; minus strand). Cytogenetic location: 1q41.
Variant type: Microsatellite.
Coding change: c.11811_11812del on transcript NM_206933.4 (MANE Select); coding-DNA positions 11811 to 11812, 2 bases deleted (CT; older notation c.11811_11812delCT).
Protein change: p.Tyr3938fs; shifts the reading frame from tyrosine 3938.
Molecular consequence: frameshift variant.
Genome position (GRCh38, 1-based): chr1:215,728,284-215,728,285, AG deleted on the plus strand (CT on the coding strand, the reverse complement: USH2A is on the minus strand); deleting any 2 consecutive bases within chr1:215,728,284-215,728,287 gives the same sequence; the c. name uses the placement nearest the transcript's 3' end. VCF-style (leftmost placement, unchanged base first): chr1-215728283-TAG-T. GRCh37 (hg19) VCF-style: chr1-215901625-TAG-T.
Other names: c.11811_11812delCT (NM_206933.4); short protein forms Y3938fs.
Identifiers: ClinVar variation 2779991 (VCV002779991.4), dbSNP rs1242150130, ClinGen allele CA731342103.